The following is an entry in ClinVar:

NM_199420.4(POLQ):c.3791T>A (p.Ile1264Lys)

Gene: POLQ (DNA polymerase theta; minus strand). Cytogenetic location: 3q13.33.
Variant type: single nucleotide variant.
Coding change: c.3791T>A on transcript NM_199420.4 (MANE Select); coding-DNA position 3791, T replaced by A.
Protein change: p.Ile1264Lys; replaces isoleucine 1264 with lysine.
Molecular consequence: missense variant.
Genome position (GRCh38, 1-based): chr3:121,489,140, A>T on the plus strand (T>A on the coding strand, the complement: POLQ is on the minus strand). VCF-style: chr3-121489140-A-T. GRCh37 (hg19) VCF-style: chr3-121207987-A-T.
Other names: short protein forms I1264K.
Identifiers: ClinVar variation 1734959 (VCV001734959.2), dbSNP rs2546786936, ClinGen allele CA354097244.

ClinVar aggregate classification (germline): Uncertain significance (1 of 4 stars; one submission).

Submission:

Ambry Genetics
Classification: Uncertain significance. Last evaluated: 2022-06-12. Review status: criteria provided, single submitter. Criteria: Ambry Variant Classification Scheme 2023. Collection method: clinical testing. Allele origin: germline.
Comment: The p.I1264K variant (also known as c.3791T>A), located in coding exon 16 of the POLQ gene, results from a T to A substitution at nucleotide position 3791. The isoleucine at codon 1264 is replaced by lysine, an amino acid with dissimilar properties. This amino acid position is conserved. In addition, this alteration is predicted to be tolerated by in silico analysis. Since supporting evidence is limited at this time, the clinical significance of this alteration remains unclear.